The following is an entry in ClinVar:

NM_033360.4(KRAS):c.400G>A (p.Ala134Thr)

Gene: KRAS (KRAS proto-oncogene, GTPase; minus strand). Cytogenetic location: 12p12.1.
Variant type: single nucleotide variant.
Coding change: c.400G>A on transcript NM_033360.4; coding-DNA position 400, G replaced by A.
Protein change: p.Ala134Thr; replaces alanine 134 with threonine.
Molecular consequence: missense variant.
Genome position (GRCh38, 1-based): chr12:25,225,664, C>T on the plus strand (G>A on the coding strand, the complement: KRAS is on the minus strand). VCF-style: chr12-25225664-C-T. GRCh37 (hg19) VCF-style: chr12-25378598-C-T.
Other names: c.400G>A, p.Ala134Thr (NM_001369786.1, NM_001369787.1, NM_004985.5 and 2 more transcripts); short protein forms A134T.
Identifiers: ClinVar variation 632871 (VCV000632871.1), dbSNP rs1565884227, ClinGen allele CA384151238.

ClinVar aggregate classification (germline): Uncertain significance (1 of 4 stars; one submission).

Submission:

Women's Health and Genetics/Laboratory Corporation of America, LabCorp
Classification: Uncertain significance. Last evaluated: 2018-02-19. Review status: criteria provided, single submitter. Criteria: LabCorp Variant Classification Summary - May 2015. Collection method: clinical testing. Allele origin: germline.
Comment: Variant summary: KRAS c.400G>A (p.Ala134Thr) results in a non-conservative amino acid change in the encoded protein sequence. Five of five in-silico tools predict a damaging effect of the variant on protein function. The variant was absent in 121330 control chromosomes (in ExAC). The available data on variant occurrences in the general population are insufficient to allow any conclusion about variant significance. To our knowledge, no occurrence of c.400G>A in individuals affected with Noonan Syndrome and Related Conditions and no experimental evidence demonstrating its impact on protein function have been reported. No clinical diagnostic laboratories have submitted clinical-significance assessments for this variant to ClinVar after 2014. Based on the evidence outlined above, the variant was classified as uncertain significance.